The following is an entry in ClinVar:

ClinVar aggregate classification (germline): Uncertain significance (1 of 4 stars; one submission).

Submission:

Women's Health and Genetics/Laboratory Corporation of America, LabCorp
Classification: Uncertain significance. Last evaluated: 2024-12-17. Review status: criteria provided, single submitter. Criteria: LabCorp Variant Classification Summary - May 2015. Collection method: clinical testing. Allele origin: germline.
Comment: Variant summary: RAF1 c.998G>C (p.Arg333Pro) results in a non-conservative amino acid change in the encoded protein sequence. Three of five in-silico tools predict a damaging effect of the variant on protein function. The variant was absent in 251400 control chromosomes. The available data on variant occurrences in the general population are insufficient to allow any conclusion about variant significance. To our knowledge, no occurrence of c.998G>C in individuals affected with Noonan Syndrome and no experimental evidence demonstrating its impact on protein function have been reported. No submitters have cited clinical-significance assessments for this variant to ClinVar. Based on the evidence outlined above, the variant was classified as uncertain significance.

NM_002880.4(RAF1):c.998G>C (p.Arg333Pro)

Gene: RAF1 (Raf-1 proto-oncogene, serine/threonine kinase; minus strand). Cytogenetic location: 3p25.2.
Variant type: single nucleotide variant.
Coding change: c.998G>C on transcript NM_002880.4 (MANE Select); coding-DNA position 998, G replaced by C.
Protein change: p.Arg333Pro; replaces arginine 333 with proline.
Molecular consequence: missense variant. On other transcripts: non-coding transcript variant (3).
Genome position (GRCh38, 1-based): chr3:12,599,801, C>G on the plus strand (G>C on the coding strand, the complement: RAF1 is on the minus strand). VCF-style: chr3-12599801-C-G. GRCh37 (hg19) VCF-style: chr3-12641300-C-G.
Other names: c.1058G>C, p.Arg353Pro (NM_001354689.3); c.998G>C, p.Arg333Pro (NM_001354690.3); c.755G>C, p.Arg252Pro (NM_001354691.3, NM_001354692.3); c.899G>C, p.Arg300Pro (NM_001354693.3); c.815G>C, p.Arg272Pro (NM_001354694.3); c.656G>C, p.Arg219Pro (NM_001354695.3); short protein forms R219P, R252P, R272P, R300P, R333P, R353P.
Identifiers: ClinVar variation 3768569 (VCV003768569.1).
Genomic context (GRCh38, chr3:12,599,801, plus strand): 5'-GTGGACAGCATCACTTCACTGGCTTCTATTTCCCAATAATAGCTTGAATCTCTCTGTCCA[C>G]GAGGCCTCTGAAACAAGTAGAGATCATTATTATACTCCATGCAATGGTAATAATCTTTTG-3'
Protein context (NP_002871.1, residues 323-343): GTQEKNKIRP[Arg333Pro]GQRDSSYYWE